The following is an entry in ClinVar:

ClinVar aggregate classification (germline): Likely pathogenic (1 of 4 stars; one submission).

Submission:

Labcorp Genetics (formerly Invitae), Labcorp
Classification: Likely pathogenic. Last evaluated: 2022-04-15. Review status: criteria provided, single submitter. Criteria: Invitae Variant Classification Sherloc (09022015). Collection method: clinical testing. Allele origin: germline.
Comment: Algorithms developed to predict the effect of sequence changes on RNA splicing suggest that this variant may disrupt the consensus splice site. This variant has not been reported in the literature in individuals affected with TYRP1-related conditions. This variant is not present in population databases (gnomAD no frequency). This sequence change affects an acceptor splice site in intron 6 of the TYRP1 gene. It is expected to disrupt RNA splicing. Variants that disrupt the donor or acceptor splice site typically lead to a loss of protein function (PMID: 16199547), and loss-of-function variants in TYRP1 are known to be pathogenic (PMID: 8651291, 9345097). In summary, the currently available evidence indicates that the variant is pathogenic, but additional data are needed to prove that conclusively. Therefore, this variant has been classified as Likely Pathogenic.

Literature cited by the submitters: PubMed 16199547; PubMed 8651291; PubMed 9345097.

NM_000550.3(TYRP1):c.1262-1G>A

Genes: LURAP1L-AS1 (LURAP1L antisense RNA 1; minus strand), TYRP1 (tyrosinase related protein 1; plus strand). Cytogenetic location: 9p23.
Variant type: single nucleotide variant.
Coding change: c.1262-1G>A on transcript NM_000550.3 (MANE Select); the canonical splice acceptor site of the intron before coding-DNA position 1262, G replaced by A.
Molecular consequence: splice acceptor variant.
Genome position (GRCh38, 1-based): chr9:12,707,996, G>A. VCF-style: chr9-12707996-G-A. GRCh37 (hg19) VCF-style: chr9-12707996-G-A.
Identifiers: ClinVar variation 2126363 (VCV002126363.4), dbSNP rs2537293281, ClinGen allele CA372943627.